The following is an entry in ClinVar:

ClinVar aggregate classification (germline): Benign/Likely benign. Review status: criteria provided, multiple submitters, no conflicts (2 of 4 stars). 3 submissions from 3 submitters: Benign (1); Likely benign (2). Last evaluated 2026-01-05.

Conditions:
Hereditary cancer-predisposing syndrome. Also called: Tumor predisposition; Neoplastic Syndromes, Hereditary; Hereditary Cancer Syndrome; Hereditary neoplastic syndrome. Identifiers: Orphanet 140162, MedGen C0027672, MeSH D009386, MONDO:0015356.
Oligodontia-cancer predisposition syndrome. Also called: TOOTH AGENESIS-COLORECTAL CANCER SYNDROME. Identifiers: Orphanet 300576, MedGen C1837750, MONDO:0012075, OMIM 608615. Disease mechanism: loss of function.

Allele frequency attached by ClinVar (database versions not stated): ExAC 0.00001.
gnomAD v4.1: 1 of 1,612,306 alleles (0.000062%); highest among the groups gnomAD compares: Non-Finnish European, 0.000085%; no homozygotes.

Submissions (3):

Labcorp Genetics (formerly Invitae), Labcorp
Classification: Likely benign for Oligodontia-cancer predisposition syndrome. Last evaluated: 2026-01-05. Review status: criteria provided, single submitter. Criteria: Invitae Variant Classification Sherloc (09022015). Collection method: clinical testing. Allele origin: germline.

Myriad Genetics, Inc.
Classification: Benign for Oligodontia-cancer predisposition syndrome. Last evaluated: 2024-06-26. Review status: criteria provided, single submitter. Criteria: Myriad Autosomal Dominant, Autosomal Recessive and X-Linked Classification Criteria (2023). Collection method: clinical testing. Allele origin: unknown.
Comment: This variant is considered benign. This variant is a silent/synonymous amino acid change and it is not expected to impact splicing.

Ambry Genetics
Classification: Likely benign for Hereditary cancer-predisposing syndrome. Last evaluated: 2022-02-17. Review status: criteria provided, single submitter. Criteria: Ambry Variant Classification Scheme 2023. Collection method: clinical testing. Allele origin: germline.

NM_004655.4(AXIN2):c.249C>T (p.His83=)

Gene: AXIN2 (axin 2; minus strand). Cytogenetic location: 17q24.1.
Variant type: single nucleotide variant.
Coding change: c.249C>T on transcript NM_004655.4 (MANE Select); coding-DNA position 249, C replaced by T.
Protein change: p.His83=; no amino-acid change (histidine 83 retained).
Molecular consequence: synonymous variant.
Genome position (GRCh38, 1-based): chr17:65,558,372, G>A on the plus strand (C>T on the coding strand, the complement: AXIN2 is on the minus strand). VCF-style: chr17-65558372-G-A. GRCh37 (hg19) VCF-style: chr17-63554490-G-A.
Other names: c.249C>T, p.His83= (NM_001363813.1).
Identifiers: ClinVar variation 766680 (VCV000766680.12), dbSNP rs763904249, ClinGen allele CA8719076.
Genomic context (GRCh38, chr17:65,558,372, plus strand): 5'-TTTCTCCCTCTCCAGGAAAGTTCGGAACAGGTAAGCACCGTCTTGATCGCCCAATAAGGA[G>A]TGTAAGGACTTGGTCCACCGGGTCAGAGGGGAATCCGGAGATGCCCGCCCCTCCGGCTCC-3'
Protein context (NP_004646.3, residues 73-93): SPLTRWTKSL[His83=]SLLGDQDGAY